The following is an entry in ClinVar:

NM_014874.4(MFN2):c.2151G>A (p.Met717Ile)

Gene: MFN2 (mitofusin 2; plus strand). Cytogenetic location: 1p36.22.
Variant type: single nucleotide variant.
Coding change: c.2151G>A on transcript NM_014874.4 (MANE Select); coding-DNA position 2151, G replaced by A.
Protein change: p.Met717Ile; replaces methionine 717 with isoleucine.
Molecular consequence: missense variant.
Genome position (GRCh38, 1-based): chr1:12,009,673, G>A. VCF-style: chr1-12009673-G-A. GRCh37 (hg19) VCF-style: chr1-12069730-G-A.
Other names: c.2151G>A, p.Met717Ile (NM_001127660.2); short protein forms M717I.
Identifiers: ClinVar variation 935916 (VCV000935916.12), dbSNP rs1639602553, ClinGen allele CA338453218.

ClinVar aggregate classification (germline): Uncertain significance. Review status: criteria provided, multiple submitters, no conflicts (2 of 4 stars). 2 submissions from 2 submitters: Uncertain significance (2). Last evaluated 2026-05-26.

Conditions:
Charcot-Marie-Tooth disease type 2. Also called: Charcot-Marie-Tooth type 2. Identifiers: Orphanet 64746, MedGen C0270914, MONDO:0018993.
Inborn genetic diseases. Identifiers: MedGen C0950123, MeSH D030342.

Allele frequency attached by ClinVar (database versions not stated): gnomAD exomes 0.00001.
gnomAD v4.1: 3 of 1,614,240 alleles (0.00019%); highest among the groups gnomAD compares: Non-Finnish European, 0.00025%; no homozygotes.

Submissions (2):

Ambry Genetics
Classification: Uncertain significance for Inborn genetic diseases. Last evaluated: 2026-05-26. Review status: criteria provided, single submitter. Criteria: Ambry Variant Classification Scheme 2023. Collection method: clinical testing. Allele origin: germline.

Labcorp Genetics (formerly Invitae), Labcorp
Classification: Uncertain significance for Charcot-Marie-Tooth disease type 2. Last evaluated: 2022-08-20. Review status: criteria provided, single submitter. Criteria: Invitae Variant Classification Sherloc (09022015). Collection method: clinical testing. Allele origin: germline.
Comment: This sequence change replaces methionine, which is neutral and non-polar, with isoleucine, which is neutral and non-polar, at codon 717 of the MFN2 protein (p.Met717Ile). This variant is not present in population databases (gnomAD no frequency). This variant has not been reported in the literature in individuals affected with MFN2-related conditions. Advanced modeling of protein sequence and biophysical properties (such as structural, functional, and spatial information, amino acid conservation, physicochemical variation, residue mobility, and thermodynamic stability) performed at Invitae indicates that this missense variant is not expected to disrupt MFN2 protein function. In summary, the available evidence is currently insufficient to determine the role of this variant in disease. Therefore, it has been classified as a Variant of Uncertain Significance. ClinVar contains an entry for this variant (Variation ID: 935916).